The following is an entry in ClinVar:

NM_023036.6(DNAI2):c.88G>A (p.Asp30Asn)

Gene: DNAI2 (dynein axonemal intermediate chain 2; plus strand). Cytogenetic location: 17q25.1.
Variant type: single nucleotide variant.
Coding change: c.88G>A on transcript NM_023036.6 (MANE Select); coding-DNA position 88, G replaced by A.
Protein change: p.Asp30Asn; replaces aspartic acid 30 with asparagine.
Molecular consequence: missense variant. On other transcripts: non-coding transcript variant (1).
Genome position (GRCh38, 1-based): chr17:74,281,905, G>A. VCF-style: chr17-74281905-G-A. GRCh37 (hg19) VCF-style: chr17-72278044-G-A.
Other names: c.88G>A, p.Asp30Asn (NM_001172810.3, NM_001353167.2); short protein forms D30N.
Identifiers: ClinVar variation 4705557 (VCV004705557.1).
Genomic context (GRCh38, chr17:74,281,905, plus strand): 5'-AAGCGCAGCGAGTTCGGGAAGCAGTGCAATTTCTCGGACCGCCAGGCCGAGCTGAACATC[G>A]ACATCATGCCCAACCCTGAGCTGGCCGAGCAGTTCGTGGAGCGGAACCCAGTGGACACGG-3'
Protein context (NP_075462.3, residues 20-40): FSDRQAELNI[Asp30Asn]IMPNPELAEQ

ClinVar aggregate classification (germline): Uncertain significance (1 of 4 stars; one submission).

Conditions:
Primary ciliary dyskinesia. Also called: Ciliary dyskinesia. Identifiers: Orphanet 244, MedGen C0008780, MONDO:0016575, HP:0012265.

Submission:

Labcorp Genetics (formerly Invitae), Labcorp
Classification: Uncertain significance for Primary ciliary dyskinesia. Last evaluated: 2025-03-04. Review status: criteria provided, single submitter. Criteria: Invitae Variant Classification Sherloc (09022015). Collection method: clinical testing. Allele origin: germline.
Comment: This sequence change replaces aspartic acid, which is acidic and polar, with asparagine, which is neutral and polar, at codon 30 of the DNAI2 protein (p.Asp30Asn). This variant is not present in population databases (gnomAD no frequency). This variant has not been reported in the literature in individuals affected with DNAI2-related conditions. Invitae Evidence Modeling of protein sequence and biophysical properties (such as structural, functional, and spatial information, amino acid conservation, physicochemical variation, residue mobility, and thermodynamic stability) indicates that this missense variant is not expected to disrupt DNAI2 protein function with a negative predictive value of 95%. In summary, the available evidence is currently insufficient to determine the role of this variant in disease. Therefore, it has been classified as a Variant of Uncertain Significance.